The following is an entry in ClinVar:

NM_001267550.2(TTN):c.99184_99185dup (p.Leu33063fs)

Genes: TTN-AS1 (TTN antisense RNA 1; plus strand), TTN (titin; minus strand). Cytogenetic location: 2q31.2.
Variant type: Duplication.
Coding change: c.99184_99185dup on transcript NM_001267550.2 (MANE Select); coding-DNA positions 99184 to 99185, 2 bases duplicated (GG; older notation c.99184_99185dupGG).
Protein change: p.Leu33063fs; shifts the reading frame from leucine 33063.
Molecular consequence: frameshift variant.
Genome position (GRCh38, 1-based): chr2:178,538,644-178,538,645, CC duplicated on the plus strand (GG on the coding strand, the reverse complement: TTN is on the minus strand). VCF-style (leftmost placement, unchanged base first): chr2-178538643-A-ACC. GRCh37 (hg19) VCF-style: chr2-179403370-A-ACC.
Other names: c.94261_94262dupGG (NM_001256850.1); c.94261_94262dup, p.Leu31422fs (NM_001256850.1); c.71989_71990dup, p.Leu23998fs (NM_003319.4); c.91480_91481dup, p.Leu30495fs (NM_133378.4); c.72364_72365dup, p.Leu24123fs (NM_133432.3); c.72565_72566dup, p.Leu24190fs (NM_133437.4); short protein forms L30495fs, L33063fs, L24190fs, L24123fs, L23998fs, L31422fs.
Identifiers: ClinVar variation 202543 (VCV000202543.7), dbSNP rs794729396, ClinGen allele CA309547.
Genomic context (GRCh38, chr2:178,538,643, plus strand): 5'-GCTCAGCCCAGTCTCATTCTCAGCAAAAACCCTGAATTCATACTCAGTAGCTTCCAGCAA[A>ACC]CCTCCTATTGTGAATTGCTTGTCCTTAATACGTTCCTTATTGCTCTTCTTCCAGGCACTG-3'

ClinVar aggregate classification (germline): Pathogenic. Review status: criteria provided, multiple submitters, no conflicts (2 of 4 stars). 2 submissions from 2 submitters: Pathogenic (2). Last evaluated 2025-10-21.

Conditions:
Dilated cardiomyopathy 1G (CMD1G). Identifiers: Orphanet 154, MedGen C1858763, MONDO:0011400, OMIM 604145.
Autosomal recessive limb-girdle muscular dystrophy type 2J (LGMDR10). Also called: MUSCULAR DYSTROPHY, LIMB-GIRDLE, AUTOSOMAL RECESSIVE 10; Limb-girdle muscular dystrophy, type 2J. Identifiers: Orphanet 140922, MedGen C1837342, MONDO:0012127, OMIM 608807.

Submissions (2):

Labcorp Genetics (formerly Invitae), Labcorp
Classification: Pathogenic for Dilated cardiomyopathy 1G; Autosomal recessive limb-girdle muscular dystrophy type 2J. Last evaluated: 2025-10-21. Review status: criteria provided, single submitter. Criteria: Invitae Variant Classification Sherloc (09022015). Collection method: clinical testing. Allele origin: germline.
Comment: This sequence change creates a premature translational stop signal (p.Leu33063Valfs*20) in the TTN gene. While this is not anticipated to result in nonsense mediated decay, it is expected to create a truncated TTN protein. This variant is not present in population databases (gnomAD no frequency). This premature translational stop signal has been observed in individuals with clinical features of autosomal dominant dilated cardiomyopathy (PMID: 34935411; internal data). This variant is also known as c.94261_94262dupGG, p.Leu31422Valfs*20. ClinVar contains an entry for this variant (Variation ID: 202543). Algorithms developed to predict the effect of sequence changes on RNA splicing suggest that this variant may disrupt the consensus splice site. This variant is located in the A band of TTN (PMID: 25589632). Truncating variants in this region are significantly overrepresented in patients affected with dilated cardiomyopathy (PMID: 25589632). Truncating variants in this region have also been reported in individuals affected with autosomal recessive centronuclear myopathy (PMID: 23975875). For these reasons, this variant has been classified as Pathogenic.

GeneDx
Classification: Pathogenic. Last evaluated: 2021-04-07. Review status: criteria provided, single submitter. Criteria: GeneDx Variant Classification Process June 2021. Collection method: clinical testing. Allele origin: germline. Affected: yes.
Comment: Has not been previously published as pathogenic or benign to our knowledge; Frameshift variant predicted to result in protein truncation or nonsense mediated decay in a gene for which loss-of-function is a known mechanism of disease; Not observed in large population cohorts (Lek et al., 2016)

Literature cited by the submitters: PubMed 34935411 (cited by Labcorp Genetics (formerly Invitae), Labcorp); PubMed 25589632 (cited by Labcorp Genetics (formerly Invitae), Labcorp); PubMed 23975875 (cited by Labcorp Genetics (formerly Invitae), Labcorp).